The following is an entry in ClinVar:

ClinVar aggregate classification (germline): Uncertain significance (1 of 4 stars; one submission).

Conditions:
Tay-Sachs disease (TSD). Also called: GM2 gangliosidosis, type 1; Hexosaminidase alpha-subunit deficiency (variant B); Sphingolipidosis, Tay-Sachs; Hexosaminidase A Deficiency; HEXA DEFICIENCY; HEXA Disorders. Identifiers: Orphanet 845, MedGen C0039373, MONDO:0010100, OMIM 272800.

Allele frequency attached by ClinVar (database versions not stated): ExAC 0.00001; TOPMed 0.00001.
gnomAD v4.1: 3 of 1,614,198 alleles (0.00019%); highest among the groups gnomAD compares: African/African-American, 0.004%; no homozygotes.

Submission:

Labcorp Genetics (formerly Invitae), Labcorp
Classification: Uncertain significance for Tay-Sachs disease. Last evaluated: 2022-04-25. Review status: criteria provided, single submitter. Criteria: Invitae Variant Classification Sherloc (09022015). Collection method: clinical testing. Allele origin: germline.
Comment: This sequence change replaces serine, which is neutral and polar, with cysteine, which is neutral and slightly polar, at codon 364 of the HEXA protein (p.Ser364Cys). This variant is present in population databases (rs781611898, gnomAD 0.007%). This variant has not been reported in the literature in individuals affected with HEXA-related conditions. Algorithms developed to predict the effect of missense changes on protein structure and function are either unavailable or do not agree on the potential impact of this missense change (SIFT: "Deleterious"; PolyPhen-2: "Probably Damaging"; Align-GVGD: "Class C0"). In summary, the available evidence is currently insufficient to determine the role of this variant in disease. Therefore, it has been classified as a Variant of Uncertain Significance.

NM_000520.6(HEXA):c.1091C>G (p.Ser364Cys)

Gene: HEXA (hexosaminidase subunit alpha; minus strand). Cytogenetic location: 15q23.
Variant type: single nucleotide variant.
Coding change: c.1091C>G on transcript NM_000520.6 (MANE Select); coding-DNA position 1091, C replaced by G.
Protein change: p.Ser364Cys; replaces serine 364 with cysteine.
Molecular consequence: missense variant.
Genome position (GRCh38, 1-based): chr15:72,347,741, G>C on the plus strand (C>G on the coding strand, the complement: HEXA is on the minus strand). VCF-style: chr15-72347741-G-C. GRCh37 (hg19) VCF-style: chr15-72640082-G-C.
Other names: c.1124C>G, p.Ser375Cys (NM_001318825.2); short protein forms S364C, S375C.
Identifiers: ClinVar variation 2155989 (VCV002155989.1), dbSNP rs781611898, ClinGen allele CA7644806.
Genomic context (GRCh38, chr15:72,347,741, plus strand): 5'-CTCACCTTTACTTTATTATCAAACACCTCCTGCCACACCACATAGCCCTTGCCATAAGAA[G>C]AGACGATGTCCAGCAGCCTGGAGAGGAGAGGAGTGTCTAGTAAGTGTCTGCTTAGCTCAG-3'
Protein context (NP_000511.2, residues 354-374): FYIQTLLDIV[Ser364Cys]SYGKGYVVWQ